The following is an entry in ClinVar:

NM_004991.4(MECOM):c.1445C>A (p.Pro482Gln)

Gene: MECOM (MDS1 and EVI1 complex locus; minus strand). Cytogenetic location: 3q26.2.
Variant type: single nucleotide variant.
Coding change: c.1445C>A on transcript NM_004991.4 (MANE Select); coding-DNA position 1445, C replaced by A.
Protein change: p.Pro482Gln; replaces proline 482 with glutamine.
Molecular consequence: missense variant. On other transcripts: intron variant (2).
Genome position (GRCh38, 1-based): chr3:169,116,427, G>T on the plus strand (C>A on the coding strand, the complement: MECOM is on the minus strand). VCF-style: chr3-169116427-G-T. GRCh37 (hg19) VCF-style: chr3-168834215-G-T.
Other names: c.1076C>A, p.Pro359Gln (NM_001105077.4); c.881C>A, p.Pro294Gln (NM_001105078.4, NM_001164000.2, NM_001205194.2 and 4 more transcripts); c.884C>A, p.Pro295Gln (NM_001163999.2, NM_001366467.2, NM_001366468.2 and 1 more transcripts); c.1445C>A, p.Pro482Gln (NM_001366466.2); c.1133-660C>A (NM_001366473.2); c.569-660C>A (NM_001366474.2); short protein forms P294Q, P295Q, P482Q, P359Q.
Identifiers: ClinVar variation 5024140 (VCV005024140.1).

ClinVar aggregate classification (germline): Uncertain significance (1 of 4 stars; one submission).

Conditions:
Inborn genetic diseases. Identifiers: MedGen C0950123, MeSH D030342.

Submission:

Ambry Genetics
Classification: Uncertain significance for Inborn genetic diseases. Last evaluated: 2026-07-19. Review status: criteria provided, single submitter. Criteria: Ambry Variant Classification Scheme 2023. Collection method: clinical testing. Allele origin: germline.
Comment: The p.P482Q variant (also known as c.1445C>A), located in coding exon 8 of the MECOM gene, results from a C to A substitution at nucleotide position 1445. The proline at codon 482 is replaced by glutamine, an amino acid with similar properties. This amino acid position is conserved. In addition, the in silico prediction for this alteration is inconclusive. Based on the available evidence, the clinical significance of this variant remains unclear.